The following is an entry in ClinVar:

ClinVar aggregate classification (germline): Uncertain significance (1 of 4 stars; one submission).

Conditions:
Retinitis pigmentosa 38 (RP38). Also called: ROD-CONE DYSTROPHY, CHILDHOOD-ONSET. Identifiers: Orphanet 791, MedGen C3151228, MONDO:0013469, OMIM 613862.

Submission:

3billion
Classification: Uncertain significance for Retinitis pigmentosa 38. Last evaluated: 2025-11-28. Review status: criteria provided, single submitter. Criteria: ACMG Guidelines, 2015. Collection method: clinical testing. Allele origin: germline. Affected: yes.
Comment: The variant is not observed in the gnomAD v4.1.0 dataset. Predicted Consequence/Location: Missense variant. The majority of the known disease-causing variants of this gene are variants expected to result in premature termination of the protein. In silico tool predictions suggest damaging effect of the variant on gene or gene product [REVEL: 0.90 (>=0.6, sensitivity 0.68 and specificity 0.92)]. A different missense change at the same codon (p.Gly654Val) has been reported to be associated with MERTK-related disorder (PMID: 28181551). However the evidence of pathogenicity is insufficient at this time. Therefore, this variant is classified as VUS according to the recommendation of ACMG/AMP guideline.

Literature cited by the submitters: PubMed 28181551.

NM_006343.3(MERTK):c.1960G>C (p.Gly654Arg)

Gene: MERTK (MER proto-oncogene, tyrosine kinase; plus strand). Cytogenetic location: 2q13.
Variant type: single nucleotide variant.
Coding change: c.1960G>C on transcript NM_006343.3 (MANE Select); coding-DNA position 1960, G replaced by C.
Protein change: p.Gly654Arg; replaces glycine 654 with arginine.
Molecular consequence: missense variant.
Genome position (GRCh38, 1-based): chr2:112,008,475, G>C. VCF-style: chr2-112008475-G-C. GRCh37 (hg19) VCF-style: chr2-112766052-G-C.
Other names: short protein forms G654R.
Identifiers: ClinVar variation 4854206 (VCV004854206.1).
Genomic context (GRCh38, chr2:112,008,475, plus strand): 5'-TTTCTCAGTGAGGCAGCGTGCATGAAAGACTTCAGCCACCCAAATGTCATTCGACTTCTA[G>C]GTACTTCCGAGAAATGCAGGAGTGGGTGGCCAAGAGGGCTCTGCTGATCTGCTCTGTGCC-3'
Protein context (NP_006334.2, residues 644-664): FSHPNVIRLL[Gly654Arg]VCIEMSSQGI